The following is an entry in ClinVar:

ClinVar aggregate classification (germline): Conflicting classifications of pathogenicity. Review status: criteria provided, conflicting classifications (1 of 4 stars). 3 submissions from 3 submitters: Uncertain significance (2); Likely benign (1). Last evaluated 2023-03-23.

Conditions:
Hereditary cancer-predisposing syndrome. Also called: Tumor predisposition; Hereditary Cancer Syndrome; Neoplastic Syndromes, Hereditary; Hereditary neoplastic syndrome. Identifiers: Orphanet 140162, MedGen C0027672, MeSH D009386, MONDO:0015356.
Hereditary breast ovarian cancer syndrome. Also called: Hereditary breast and ovarian cancer; Breast and ovarian cancer; Hereditary breast and/or ovarian cancer syndrome; BRCA1- and BRCA2-Associated Hereditary Breast and Ovarian Cancer; Hereditary breast and ovarian cancer syndrome; Hereditary breast and ovarian cancer syndrome (HBOC). Identifiers: Orphanet 145, MedGen C0677776, MeSH D061325, MONDO:0003582. Disease mechanism: loss of function.
Breast-ovarian cancer, familial, susceptibility to, 2 (BROVCA2). Also called: BRCA2 Hereditary Breast and Ovarian Cancer. Identifiers: Orphanet 145, MedGen C2675520, MONDO:0012933, OMIM 612555. Disease mechanism: loss of function.

Submissions (3):

University of Washington Department of Laboratory Medicine, University of Washington
Classification: Likely benign for Hereditary cancer-predisposing syndrome. Last evaluated: 2023-03-23. Review status: criteria provided, single submitter. Criteria: Dines et al. (Genet Med. 2020). Collection method: curation. Allele origin: germline.
Comment: Missense variant in a coldspot region where missense variants are very unlikely to be pathogenic (PMID:31911673).

BRCA2 exon 11 coldspot. Reclassification based on statistical prior probability.

Labcorp Genetics (formerly Invitae), Labcorp
Classification: Uncertain significance for Hereditary breast ovarian cancer syndrome. Last evaluated: 2019-07-02. Review status: criteria provided, single submitter. Criteria: Invitae Variant Classification Sherloc (09022015). Collection method: clinical testing. Allele origin: germline.
Comment: In summary, the available evidence is currently insufficient to determine the role of this variant in disease. Therefore, it has been classified as a Variant of Uncertain Significance. Algorithms developed to predict the effect of missense changes on protein structure and function output the following: SIFT: "Tolerated"; PolyPhen-2: "Benign"; Align-GVGD: "Class C0". The isoleucine amino acid residue is found in multiple mammalian species, suggesting that this missense change does not adversely affect protein function. These predictions have not been confirmed by published functional studies and their clinical significance is uncertain. This variant has not been reported in the literature in individuals with BRCA2-related conditions. ClinVar contains an entry for this variant (Variation ID: 252410). This variant is not present in population databases (ExAC no frequency). This sequence change replaces methionine with isoleucine at codon 1475 of the BRCA2 protein (p.Met1475Ile). The methionine residue is weakly conserved and there is a small physicochemical difference between methionine and isoleucine.

Quest Diagnostics Nichols Institute San Juan Capistrano
Classification: Uncertain significance for Breast-ovarian cancer, familial, susceptibility to, 2. Last evaluated: 2016-05-18. Review status: criteria provided, single submitter. Criteria: Quest Diagnostics criteria. Collection method: clinical testing. Allele origin: germline. Inheritance: Autosomal dominant inheritance.

Literature cited by the submitters: PubMed 26295337 (cited by Quest Diagnostics Nichols Institute San Juan Capistrano).

NM_000059.4(BRCA2):c.4425G>A (p.Met1475Ile)

Gene: BRCA2 (BRCA2 DNA repair associated; plus strand). Cytogenetic location: 13q13.1.
Variant type: single nucleotide variant.
Coding change: c.4425G>A on transcript NM_000059.4 (MANE Select); coding-DNA position 4425, G replaced by A.
Protein change: p.Met1475Ile; replaces methionine 1475 with isoleucine.
Molecular consequence: missense variant.
Genome position (GRCh38, 1-based): chr13:32,338,780, G>A. VCF-style: chr13-32338780-G-A. GRCh37 (hg19) VCF-style: chr13-32912917-G-A.
Other names: short protein forms M1475I.
Identifiers: ClinVar variation 252410 (VCV000252410.13), dbSNP rs879255301, ClinGen allele CA10585896.